The following is an entry in ClinVar:

ClinVar aggregate classification (germline): Conflicting classifications of pathogenicity. Review status: criteria provided, conflicting classifications (1 of 4 stars). 4 submissions from 4 submitters: Uncertain significance (3); Likely benign (1). Last evaluated 2024-05-14.

Conditions:
Hereditary cancer-predisposing syndrome. Also called: Neoplastic Syndromes, Hereditary; Hereditary Cancer Syndrome; Tumor predisposition; Hereditary neoplastic syndrome. Identifiers: Orphanet 140162, MedGen C0027672, MeSH D009386, MONDO:0015356.
Hereditary breast ovarian cancer syndrome. Also called: Hereditary breast and ovarian cancer syndrome (HBOC); Hereditary breast and ovarian cancer; Breast and ovarian cancer; BRCA1- and BRCA2-Associated Hereditary Breast and Ovarian Cancer; Hereditary breast and ovarian cancer syndrome; Hereditary breast and/or ovarian cancer syndrome. Identifiers: Orphanet 145, MedGen C0677776, MeSH D061325, MONDO:0003582. Disease mechanism: loss of function.

Allele frequency attached by ClinVar (database versions not stated): gnomAD exomes below 0.00001 and 0.00001; gnomAD 0.00001; TOPMed 0.00001; ExAC 0.00002.
gnomAD v4.1: 3 of 1,613,828 alleles (0.00019%); highest among the groups gnomAD compares: African/African-American, 0.004%; no homozygotes.

Submissions (4):

Ambry Genetics
Classification: Uncertain significance for Hereditary cancer-predisposing syndrome. Last evaluated: 2024-05-14. Review status: criteria provided, single submitter. Criteria: Ambry Variant Classification Scheme 2023. Collection method: clinical testing. Allele origin: germline.
Comment: The p.H553R variant (also known as c.1658A>G), located in coding exon 9 of the BRCA1 gene, results from an A to G substitution at nucleotide position 1658. The histidine at codon 553 is replaced by arginine, an amino acid with highly similar properties. This amino acid position is not well conserved in available vertebrate species. In addition, the in silico prediction for this alteration is inconclusive. Based on the available evidence, the clinical significance of this variant remains unclear.

Labcorp Genetics (formerly Invitae), Labcorp
Classification: Uncertain significance for Hereditary breast ovarian cancer syndrome. Last evaluated: 2024-04-05. Review status: criteria provided, single submitter. Criteria: Invitae Variant Classification Sherloc (09022015). Collection method: clinical testing. Allele origin: germline.
Comment: This sequence change replaces histidine, which is basic and polar, with arginine, which is basic and polar, at codon 553 of the BRCA1 protein (p.His553Arg). This variant is present in population databases (rs748431827, gnomAD 0.01%). This variant has not been reported in the literature in individuals affected with BRCA1-related conditions. ClinVar contains an entry for this variant (Variation ID: 943608). Advanced modeling of protein sequence and biophysical properties (such as structural, functional, and spatial information, amino acid conservation, physicochemical variation, residue mobility, and thermodynamic stability) performed at Invitae indicates that this missense variant is not expected to disrupt BRCA1 protein function with a negative predictive value of 95%. In summary, the available evidence is currently insufficient to determine the role of this variant in disease. Therefore, it has been classified as a Variant of Uncertain Significance.

University of Washington Department of Laboratory Medicine, University of Washington
Classification: Likely benign for Hereditary cancer-predisposing syndrome. Last evaluated: 2023-03-23. Review status: criteria provided, single submitter. Criteria: Dines et al. (Genet Med. 2020). Collection method: curation. Allele origin: germline.
Comment: Missense variant in a coldspot region where missense variants are very unlikely to be pathogenic (PMID:31911673).

BRCA1 coldspot (exon 11 using historical exon numbering). Reclassification based on statistical prior probability

Women's Health and Genetics/Laboratory Corporation of America, LabCorp
Classification: Uncertain significance. Last evaluated: 2021-09-19. Review status: criteria provided, single submitter. Criteria: LabCorp Variant Classification Summary - May 2015. Collection method: clinical testing. Allele origin: germline.

NM_007294.4(BRCA1):c.1658A>G (p.His553Arg)

Gene: BRCA1 (BRCA1 DNA repair associated; minus strand). Cytogenetic location: 17q21.31.
Variant type: single nucleotide variant.
Coding change: c.1658A>G on transcript NM_007294.4 (MANE Select); coding-DNA position 1658, A replaced by G.
Protein change: p.His553Arg; replaces histidine 553 with arginine.
Molecular consequence: missense variant. On other transcripts: intron variant (137).
Genome position (GRCh38, 1-based): chr17:43,093,873, T>C on the plus strand (A>G on the coding strand, the complement: BRCA1 is on the minus strand). VCF-style: chr17-43093873-T-C. GRCh37 (hg19) VCF-style: chr17-41245890-T-C.
Other names: c.1445A>G, p.His482Arg (NM_001407571.1, NM_001407853.1, NM_001407894.1 and 9 more transcripts); c.1658A>G, p.His553Arg (NM_001407581.1, NM_001407582.1, NM_001407583.1 and 30 more transcripts); c.1655A>G, p.His552Arg (NM_001407587.1, NM_001407590.1, NM_001407591.1 and 22 more transcripts); c.1649A>G, p.His550Arg (NM_001407646.1, NM_001407647.1); c.1535A>G, p.His512Arg (NM_001407648.1, NM_001407664.1, NM_001407665.1 and 19 more transcripts); c.1532A>G, p.His511Arg (NM_001407649.1, NM_001407670.1, NM_001407671.1 and 11 more transcripts); c.1580A>G, p.His527Arg (NM_001407653.1, NM_001407654.1, NM_001407655.1 and 4 more transcripts); c.1577A>G, p.His526Arg (NM_001407659.1, NM_001407660.1, NM_001407661.1 and 1 more transcripts); and 40 more; short protein forms H506R, H553R, H385R, H425R, H464R, H482R, H505R, H486R.
Identifiers: ClinVar variation 943608 (VCV000943608.15), dbSNP rs748431827, ClinGen allele CA057442.